The following is an entry in ClinVar:

NM_152424.4(AMER1):c.1441del (p.Asp481fs)

Gene: AMER1 (APC membrane recruitment protein 1; minus strand). Cytogenetic location: Xq11.2.
Variant type: Deletion.
Coding change: c.1441del on transcript NM_152424.4 (MANE Select); coding-DNA position 1441, one base deleted (G; older notation c.1441delG).
Protein change: p.Asp481fs; shifts the reading frame from aspartic acid 481.
Molecular consequence: frameshift variant.
Genome position (GRCh38, 1-based): chrX:64,191,846, C deleted on the plus strand (G on the coding strand, the reverse complement: AMER1 is on the minus strand); the first of 2 consecutive C bases (chrX:64,191,846-64,191,847); deleting either gives the same sequence. VCF-style (leftmost placement, unchanged base first): chrX-64191845-TC-T. GRCh37 (hg19) VCF-style: chrX-63411725-TC-T.
Other names: short protein forms D481fs.
Identifiers: ClinVar variation 935942 (VCV000935942.9), dbSNP rs1930253284, ClinGen allele CA1139667605.

ClinVar aggregate classification (germline): Pathogenic (1 of 4 stars; one submission).

Submission:

Labcorp Genetics (formerly Invitae), Labcorp
Classification: Pathogenic. Last evaluated: 2019-07-16. Review status: criteria provided, single submitter. Criteria: Invitae Variant Classification Sherloc (09022015). Collection method: clinical testing. Allele origin: germline.
Comment: This sequence change results in a premature translational stop signal in the AMER1 gene (p.Asp481Metfs*60). While this is not anticipated to result in nonsense mediated decay, it is expected to disrupt the last 655 amino acids of the AMER1 protein. This variant is not present in population databases (ExAC no frequency). This variant has not been reported in the literature in individuals with AMER1-related conditions. This variant disrupts the C-terminus of the AMER1 protein. Other variant(s) that disrupt this region (p.Arg497*) have been determined to be pathogenic (PMID: 22043478, 19079258). This suggests that variants that disrupt this region of the protein are likely to be causative of disease. For these reasons, this variant has been classified as Pathogenic.

Literature cited by the submitters: PubMed 22043478; PubMed 19079258.